The following is an entry in ClinVar:

ClinVar aggregate classification (germline): Pathogenic/Likely pathogenic. Review status: criteria provided, multiple submitters, no conflicts (2 of 4 stars). 3 submissions from 3 submitters: Pathogenic (1); Likely pathogenic (2). Last evaluated 2023-11-27.

Conditions:
Rothmund-Thomson syndrome type 2 (RTS2). Identifiers: Orphanet 221016, MedGen C5203410, MONDO:0016369, OMIM 268400.
Baller-Gerold syndrome (BGS). Also called: CRANIOSYNOSTOSIS WITH RADIAL DEFECTS. Identifiers: Orphanet 1225, MedGen C0265308, MONDO:0009039, OMIM 218600.

Submissions (3):

Labcorp Genetics (formerly Invitae), Labcorp
Classification: Pathogenic for Baller-Gerold syndrome. Last evaluated: 2023-11-27. Review status: criteria provided, single submitter. Criteria: Invitae Variant Classification Sherloc (09022015). Collection method: clinical testing. Allele origin: germline.
Comment: This sequence change creates a premature translational stop signal (p.Gly120Alafs*6) in the RECQL4 gene. It is expected to result in an absent or disrupted protein product. Loss-of-function variants in RECQL4 are known to be pathogenic (PMID: 12734318, 12952869). This variant is not present in population databases (gnomAD no frequency). This variant has not been reported in the literature in individuals affected with RECQL4-related conditions. ClinVar contains an entry for this variant (Variation ID: 547041). For these reasons, this variant has been classified as Pathogenic.

Department of Pediatrics, Memorial Sloan Kettering Cancer Center
Classification: Likely pathogenic for Rothmund-Thomson syndrome type 2. Last evaluated: 2020-12-15. Review status: criteria provided, single submitter. Criteria: ACMG Guidelines, 2015. Collection method: research. Allele origin: germline. Affected: no.

CeGaT Center for Human Genetics Tuebingen
Classification: Likely pathogenic. Last evaluated: 2018-01-01. Review status: criteria provided, single submitter. Criteria: CeGaT Center For Human Genetics Tuebingen Variant Classification Criteria Version 2. Collection method: clinical testing. Allele origin: germline. Affected: yes. Observed: 1 variant allele.

Literature cited by the submitters: PubMed 12734318 (cited by Labcorp Genetics (formerly Invitae), Labcorp); PubMed 12952869 (cited by Labcorp Genetics (formerly Invitae), Labcorp); PubMed 28873162 (cited by Department of Pediatrics, Memorial Sloan Kettering Cancer Center).

NM_004260.4(RECQL4):c.359_374delGACCAGCCCTGGGCCG

Gene: RECQL4 (RecQ like helicase 4; minus strand). Cytogenetic location: 8q24.3.
Variant type: Deletion.
Coding change: c.359_374delGACCAGCCCTGGGCCG on transcript NM_004260.4 (MANE Select); coding-DNA positions 359 to 374, 16 bases deleted (GACCAGCCCTGGGCCG).
Molecular consequence: splice acceptor variant.
Genome position (GRCh38, 1-based): chr8:144,516,745-144,516,760, CGGCCCAGGGCTGGTC deleted on the plus strand (GACCAGCCCTGGGCCG on the coding strand, the reverse complement: RECQL4 is on the minus strand); deleting any 16 consecutive bases within chr8:144,516,745-144,516,765 gives the same sequence; the c. name uses the placement nearest the transcript's 3' end. VCF-style (leftmost placement, unchanged base first): chr8-144516744-GCGGCCCAGGGCTGGTC-G. GRCh37 (hg19) VCF-style: chr8-145742128-GCGGCCCAGGGCTGGTC-G.
Identifiers: ClinVar variation 547041 (VCV000547041.49), dbSNP rs1554903709, ClinGen allele CA658821194.
Genomic context (GRCh38, chr8:144,516,744, plus strand): 5'-TGTACCTGGGGGCTTTGGGGTGGATGCCTTAGATGAGGCTCTTCCTAGAGGCCACGGTCT[GCGGCCCAGGGCTGGTC>G]CGGCCTGGGAGGGGAACAACAGAACAGCAGGAGGAACTCAGGCCCCTGAGCTACTGTAGA-3'